The following is an entry in ClinVar:

NM_152384.3(BBS5):c.425T>G (p.Leu142Ter)

Gene: BBS5 (Bardet-Biedl syndrome 5; plus strand). Cytogenetic location: 2q31.1.
Variant type: single nucleotide variant.
Coding change: c.425T>G on transcript NM_152384.3 (MANE Select); coding-DNA position 425, T replaced by G.
Protein change: p.Leu142Ter; replaces leucine 142 with a stop codon.
Molecular consequence: nonsense.
Genome position (GRCh38, 1-based): chr2:169,492,912, T>G. VCF-style: chr2-169492912-T-G. GRCh37 (hg19) VCF-style: chr2-170349422-T-G.
Other names: short protein forms L142*.
Identifiers: ClinVar variation 1210083 (VCV001210083.15), dbSNP rs1574339529, ClinGen allele CA349164685.

ClinVar aggregate classification (germline): Pathogenic. Review status: criteria provided, multiple submitters, no conflicts (2 of 4 stars). 5 submissions from 5 submitters: Pathogenic (3). 2 of the submissions do not count toward it. Last evaluated 2022-08-15.

Conditions:
Bardet-Biedl syndrome (BBS). Identifiers: Orphanet 110, MedGen C0752166, MONDO:0015229.
Bardet-Biedl syndrome 5 (BBS5). Identifiers: Orphanet 110, MedGen C3892039, MONDO:0014434, OMIM 615983.

Submissions (5):

Labcorp Genetics (formerly Invitae), Labcorp
Classification: Pathogenic for Bardet-Biedl syndrome. Last evaluated: 2022-08-15. Review status: criteria provided, single submitter. Criteria: Invitae Variant Classification Sherloc (09022015). Collection method: clinical testing. Allele origin: germline.
Comment: This sequence change creates a premature translational stop signal (p.Leu142*) in the BBS5 gene. It is expected to result in an absent or disrupted protein product. Loss-of-function variants in BBS5 are known to be pathogenic (PMID: 15137946, 16877420, 26325687, 27708425, 28041643, 29806606). This variant is not present in population databases (gnomAD no frequency). This premature translational stop signal has been observed in individuals with Bardet-Biedl syndrome (PMID: 29806606; Invitae). ClinVar contains an entry for this variant (Variation ID: 1210083). For these reasons, this variant has been classified as Pathogenic.

Revvity Omics, Revvity
Classification: Pathogenic for Bardet-Biedl syndrome 5. Last evaluated: 2020-03-23. Review status: criteria provided, single submitter. Criteria: ACMG Guidelines, 2015. Collection method: clinical testing. Allele origin: germline.

SN ONGC Dept of Genetics and Molecular biology Vision Research Foundation
Classification: Pathogenic for Bardet-Biedl syndrome. Review status: criteria provided, single submitter. Criteria: ACMG Guidelines, 2015. Collection method: research. Allele origin: biparental. Affected: yes.

Genome Diagnostics Laboratory, Amsterdam University Medical Center
Classification: Pathogenic. Review status: no assertion criteria provided. Collection method: clinical testing. Allele origin: germline. Affected: yes. Study: VKGL Data-share Consensus. Not counted in ClinVar's aggregate classification.

Genome Diagnostics Laboratory, University Medical Center Utrecht
Classification: Pathogenic. Review status: no assertion criteria provided. Collection method: clinical testing. Allele origin: germline. Affected: yes. Study: VKGL Data-share Consensus. Not counted in ClinVar's aggregate classification.

Literature cited by the submitters: PubMed 15137946 (cited by Labcorp Genetics (formerly Invitae), Labcorp); PubMed 16877420 (cited by Labcorp Genetics (formerly Invitae), Labcorp); PubMed 26325687 (cited by Labcorp Genetics (formerly Invitae), Labcorp); PubMed 27708425 (cited by Labcorp Genetics (formerly Invitae), Labcorp); PubMed 28041643 (cited by Labcorp Genetics (formerly Invitae), Labcorp); PubMed 29806606 (cited by Labcorp Genetics (formerly Invitae), Labcorp).